The following is an entry in ClinVar:

NM_000539.3(RHO):c.*1601C>T

Gene: RHO (rhodopsin; plus strand). Cytogenetic location: 3q22.1.
Variant type: single nucleotide variant.
Coding change: c.*1601C>T on transcript NM_000539.3 (MANE Select); 1601 bases downstream of the stop codon, C replaced by T.
Molecular consequence: 3 prime UTR variant.
Genome position (GRCh38, 1-based): chr3:129,535,319, C>T. VCF-style: chr3-129535319-C-T. GRCh37 (hg19) VCF-style: chr3-129254162-C-T.
Identifiers: ClinVar variation 343312 (VCV000343312.5), dbSNP rs187923166, ClinGen allele CA10617366.

ClinVar aggregate classification (germline): Benign. Review status: criteria provided, single submitter (1 of 4 stars). 2 submissions from 1 submitter: Benign (2). Last evaluated 2018-01-12.

Conditions:
Retinitis pigmentosa (RP). Identifiers: Orphanet 791, MedGen C0035334, MeSH D012174, MONDO:0019200, OMIM 268000. Inheritance: Autosomal dominant, autosomal recessive and X linked inheritance.
Congenital stationary night blindness autosomal dominant 1. Also called: NIGHT BLINDNESS, CONGENITAL STATIONARY, RHODOPSIN-RELATED. Identifiers: Orphanet 215, MedGen C1864869, MONDO:0012498, OMIM 610445.

Allele frequency attached by ClinVar (database versions not stated): 1000 Genomes Project 0.01078; gnomAD 0.01094 and 0.01177; TOPMed 0.01169; 1000 Genomes Project 30x 0.01218.

Submissions (2):

Illumina Laboratory Services, Illumina
Classification: Benign for Congenital stationary night blindness autosomal dominant 1. Last evaluated: 2018-01-12. Review status: criteria provided, single submitter. Criteria: ICSL Variant Classification Criteria 13 December 2019. Collection method: clinical testing. Allele origin: germline.
Comment: This variant was observed in the ICSL laboratory as part of a predisposition screen in an ostensibly healthy population. It had not been previously curated by ICSL or reported in the Human Gene Mutation Database (HGMD: prior to June 1st, 2018), and was therefore a candidate for classification through an automated scoring system. Utilizing variant allele frequency, disease prevalence and penetrance estimates, and inheritance mode, an automated score was calculated to assess if this variant is too frequent to cause the disease. Based on the score and internal cut-off values, a variant classified as benign is not then subjected to further curation. The score for this variant resulted in a classification of benign for this disease.

Illumina Laboratory Services, Illumina
Classification: Benign for Retinitis pigmentosa. Last evaluated: 2018-01-12. Review status: criteria provided, single submitter. Criteria: ICSL Variant Classification Criteria 13 December 2019. Collection method: clinical testing. Allele origin: germline.
Comment: the same text as in the submission from Illumina Laboratory Services, Illumina above.